The following is an entry in ClinVar:

NM_001384140.1(PCDH15):c.2132A>G (p.Asn711Ser)

Gene: PCDH15 (protocadherin related 15; minus strand). Cytogenetic location: 10q21.1.
Variant type: single nucleotide variant.
Coding change: c.2132A>G on transcript NM_001384140.1 (MANE Select); coding-DNA position 2132, A replaced by G.
Protein change: p.Asn711Ser; replaces asparagine 711 with serine.
Molecular consequence: missense variant.
Genome position (GRCh38, 1-based): chr10:54,066,845, T>C on the plus strand (A>G on the coding strand, the complement: PCDH15 is on the minus strand). VCF-style: chr10-54066845-T-C. GRCh37 (hg19) VCF-style: chr10-55826605-T-C.
Other names: c.2147A>G, p.Asn716Ser (NM_001142763.2, NM_001142771.2); c.2132A>G, p.Asn711Ser (NM_001142764.2, NM_001142766.2, NM_001142770.3 and 5 more transcripts); c.1919A>G, p.Asn640Ser (NM_001142765.2); c.2021A>G, p.Asn674Ser (NM_001142767.2); c.2066A>G, p.Asn689Ser (NM_001142768.2, NM_001142773.2, NM_001354404.2); c.2168A>G, p.Asn723Ser (NM_001142769.4); c.2153A>G, p.Asn718Ser (NM_001354411.2); short protein forms N689S, N716S, N640S, N674S, N723S, N711S, N718S.
Identifiers: ClinVar variation 2147294 (VCV002147294.4), dbSNP rs776532786, ClinGen allele CA5506110.

ClinVar aggregate classification (germline): Uncertain significance. Review status: criteria provided, multiple submitters, no conflicts (2 of 4 stars). 2 submissions from 2 submitters: Uncertain significance (2). Last evaluated 2025-07-10.

Conditions:
Inborn genetic diseases. Identifiers: MedGen C0950123, MeSH D030342.

Allele frequency attached by ClinVar (database versions not stated): gnomAD exomes below 0.00001; TOPMed below 0.00001; ExAC 0.00001.
gnomAD v4.1: 2 of 1,613,470 alleles (0.00012%); highest among the groups gnomAD compares: Non-Finnish European, 0.00017%; no homozygotes.

Submissions (2):

Ambry Genetics
Classification: Uncertain significance for Inborn genetic diseases. Last evaluated: 2025-07-10. Review status: criteria provided, single submitter. Criteria: Ambry Variant Classification Scheme 2023. Collection method: clinical testing. Allele origin: germline.

Labcorp Genetics (formerly Invitae), Labcorp
Classification: Uncertain significance. Last evaluated: 2025-03-24. Review status: criteria provided, single submitter. Criteria: Invitae Variant Classification Sherloc (09022015). Collection method: clinical testing. Allele origin: germline.
Comment: This sequence change replaces asparagine, which is neutral and polar, with serine, which is neutral and polar, at codon 711 of the PCDH15 protein (p.Asn711Ser). This variant is present in population databases (rs776532786, gnomAD 0.0009%). This variant has not been reported in the literature in individuals affected with PCDH15-related conditions. ClinVar contains an entry for this variant (Variation ID: 2147294). Invitae Evidence Modeling of protein sequence and biophysical properties (such as structural, functional, and spatial information, amino acid conservation, physicochemical variation, residue mobility, and thermodynamic stability) has been performed for this missense variant. However, the output from this modeling did not meet the statistical confidence thresholds required to predict the impact of this variant on PCDH15 protein function. In summary, the available evidence is currently insufficient to determine the role of this variant in disease. Therefore, it has been classified as a Variant of Uncertain Significance.